The following is an entry in ClinVar:

ClinVar aggregate classification (germline): Uncertain significance (1 of 4 stars; one submission).

Allele frequency attached by ClinVar (database versions not stated): gnomAD exomes 0.00001; TOPMed 0.00001; ExAC 0.00002.
gnomAD v4.1: 9 of 1,614,232 alleles (0.00056%); highest among the groups gnomAD compares: Non-Finnish European, 0.00059%; no homozygotes.

Submission:

Labcorp Genetics (formerly Invitae), Labcorp
Classification: Uncertain significance. Last evaluated: 2023-08-31. Review status: criteria provided, single submitter. Criteria: Invitae Variant Classification Sherloc (09022015). Collection method: clinical testing. Allele origin: germline.
Comment: This sequence change replaces alanine, which is neutral and non-polar, with serine, which is neutral and polar, at codon 630 of the CTNNB1 protein (p.Ala630Ser). This variant is present in population databases (rs778834508, gnomAD 0.003%). This variant has not been reported in the literature in individuals affected with CTNNB1-related conditions. Advanced modeling of protein sequence and biophysical properties (such as structural, functional, and spatial information, amino acid conservation, physicochemical variation, residue mobility, and thermodynamic stability) performed at Invitae indicates that this missense variant is not expected to disrupt CTNNB1 protein function. In summary, the available evidence is currently insufficient to determine the role of this variant in disease. Therefore, it has been classified as a Variant of Uncertain Significance.

NM_001904.4(CTNNB1):c.1888G>T (p.Ala630Ser)

Gene: CTNNB1 (catenin beta 1; plus strand). Cytogenetic location: 3p22.1.
Variant type: single nucleotide variant.
Coding change: c.1888G>T on transcript NM_001904.4 (MANE Select); coding-DNA position 1888, G replaced by T.
Protein change: p.Ala630Ser; replaces alanine 630 with serine.
Molecular consequence: missense variant.
Genome position (GRCh38, 1-based): chr3:41,236,433, G>T. VCF-style: chr3-41236433-G-T. GRCh37 (hg19) VCF-style: chr3-41277924-G-T.
Other names: c.1888G>T, p.Ala630Ser (NM_001098209.2, NM_001098210.2); c.1867G>T, p.Ala623Ser (NM_001330729.2); short protein forms A623S, A630S.
Identifiers: ClinVar variation 2998744 (VCV002998744.3), dbSNP rs778834508, ClinGen allele CA2331194.